The following is an entry in ClinVar:

ClinVar aggregate classification (germline): Benign. Review status: criteria provided, multiple submitters, no conflicts (2 of 4 stars). 2 submissions from 2 submitters: Benign (2). Last evaluated 2018-01-12.

Conditions:
Hereditary factor VIII deficiency disease (HEMA). Also called: AUTOSOMAL HEMOPHILIA A; HEM A; Factor 8 deficiency, congenital; Hemophilia A, congenital; HEMOPHILIA, CLASSIC; Hemophilia A. Identifiers: Orphanet 98878, MedGen C0019069, MONDO:0010602, OMIM 306700.

Allele frequency attached by ClinVar (database versions not stated): gnomAD exomes 0.50000; 1000 Genomes Project 30x 0.54048; TOPMed 0.54396; 1000 Genomes Project 0.55603; gnomAD 0.55703 and 0.56543.
gnomAD v4.1: 62,894 of 110,970 alleles (57%); highest among the groups gnomAD compares: East Asian, 80%; 14,753 homozygotes.

Submissions (2):

Illumina Laboratory Services, Illumina
Classification: Benign for Hereditary factor VIII deficiency disease. Last evaluated: 2018-01-12. Review status: criteria provided, single submitter. Criteria: ICSL Variant Classification Criteria 13 December 2019. Collection method: clinical testing. Allele origin: germline.
Comment: This variant was observed in the ICSL laboratory as part of a predisposition screen in an ostensibly healthy population. It had not been previously curated by ICSL or reported in the Human Gene Mutation Database (HGMD: prior to June 1st, 2018), and was therefore a candidate for classification through an automated scoring system. Utilizing variant allele frequency, disease prevalence and penetrance estimates, and inheritance mode, an automated score was calculated to assess if this variant is too frequent to cause the disease. Based on the score and internal cut-off values, a variant classified as benign is not then subjected to further curation. The score for this variant resulted in a classification of benign for this disease.

Breakthrough Genomics
Classification: Benign. Review status: criteria provided, single submitter. Criteria: ACMG Guidelines, 2015. Collection method: not provided. Allele origin: germline. Inheritance: X-linked inheritance. Affected: yes.

NM_000132.4(F8):c.*1672G>A

Gene: F8 (coagulation factor VIII; minus strand). Cytogenetic location: Xq28.
Variant type: single nucleotide variant.
Coding change: c.*1672G>A on transcript NM_000132.4 (MANE Select); 1672 bases downstream of the stop codon, G replaced by A.
Molecular consequence: 3 prime UTR variant.
Genome position (GRCh38, 1-based): chrX:154,835,925, C>T on the plus strand (G>A on the coding strand, the complement: F8 is on the minus strand). VCF-style: chrX-154835925-C-T. GRCh37 (hg19) VCF-style: chrX-154064200-C-T.
Other names: c.*1672G>A (NM_019863.3).
Identifiers: ClinVar variation 368105 (VCV000368105.6), dbSNP rs1050705, ClinGen allele CA10646070.